The following is an entry in ClinVar:

ClinVar aggregate classification (germline): Uncertain significance (1 of 4 stars; one submission).

Allele frequency attached by ClinVar (database versions not stated): gnomAD 0.00001; gnomAD exomes 0.00001; TOPMed 0.00001.
gnomAD v4.1: 16 of 1,515,020 alleles (0.0011%); highest among the groups gnomAD compares: East Asian, 0.028%; no homozygotes.

Submission:

Labcorp Genetics (formerly Invitae), Labcorp
Classification: Uncertain significance. Last evaluated: 2022-02-18. Review status: criteria provided, single submitter. Criteria: Invitae Variant Classification Sherloc (09022015). Collection method: clinical testing. Allele origin: germline.
Comment: In summary, the available evidence is currently insufficient to determine the role of this variant in disease. Therefore, it has been classified as a Variant of Uncertain Significance. Algorithms developed to predict the effect of missense changes on protein structure and function output the following: SIFT: "Tolerated"; PolyPhen-2: "Benign"; Align-GVGD: "Class C0". The valine amino acid residue is found in multiple mammalian species, which suggests that this missense change does not adversely affect protein function. This variant has not been reported in the literature in individuals affected with ARHGEF18-related conditions. This variant is present in population databases (no rsID available, gnomAD 0.03%). This sequence change replaces alanine, which is neutral and non-polar, with valine, which is neutral and non-polar, at codon 961 of the ARHGEF18 protein (p.Ala961Val).

NM_001367823.1(ARHGEF18):c.3446C>T (p.Ala1149Val)

Gene: ARHGEF18 (Rho/Rac guanine nucleotide exchange factor 18; plus strand). Cytogenetic location: 19p13.2.
Variant type: single nucleotide variant.
Coding change: c.3446C>T on transcript NM_001367823.1 (MANE Select); coding-DNA position 3446, C replaced by T.
Protein change: p.Ala1149Val; replaces alanine 1149 with valine.
Molecular consequence: missense variant.
Genome position (GRCh38, 1-based): chr19:7,467,650, C>T. VCF-style: chr19-7467650-C-T. GRCh37 (hg19) VCF-style: chr19-7532536-C-T.
Other names: c.2720C>T, p.Ala907Val (NM_001130955.2); c.2408C>T, p.Ala803Val (NM_001367824.1, NM_015318.4); short protein forms A1149V, A803V, A907V.
Identifiers: ClinVar variation 1481537 (VCV001481537.6), dbSNP rs1394329140, ClinGen allele CA403090020.